The following is an entry in ClinVar:

NM_001384474.1(LOXHD1):c.2506A>C (p.Met836Leu)

Gene: LOXHD1 (lipoxygenase homology PLAT domains 1; minus strand). Cytogenetic location: 18q21.1.
Variant type: single nucleotide variant.
Coding change: c.2506A>C on transcript NM_001384474.1 (MANE Select); coding-DNA position 2506, A replaced by C.
Protein change: p.Met836Leu; replaces methionine 836 with leucine.
Molecular consequence: missense variant.
Genome position (GRCh38, 1-based): chr18:46,563,157, T>G on the plus strand (A>C on the coding strand, the complement: LOXHD1 is on the minus strand). VCF-style: chr18-46563157-T-G. GRCh37 (hg19) VCF-style: chr18-44143120-T-G.
Other names: c.2506A>C (NM_144612.6); c.2506A>C, p.Met836Leu (NM_144612.7); short protein forms M836L.
Identifiers: ClinVar variation 1923269 (VCV001923269.4), dbSNP rs957867009, ClinGen allele CA402372638.

ClinVar aggregate classification (germline): Uncertain significance. Review status: criteria provided, multiple submitters, no conflicts (2 of 4 stars). 2 submissions from 2 submitters: Uncertain significance (2). Last evaluated 2025-08-04.

Conditions:
Inborn genetic diseases. Identifiers: MedGen C0950123, MeSH D030342.

gnomAD v4.1: 3 of 1,539,984 alleles (0.00019%); highest among the groups gnomAD compares: Middle Eastern, 0.017%; no homozygotes.

Submissions (2):

Ambry Genetics
Classification: Uncertain significance for Inborn genetic diseases. Last evaluated: 2025-08-04. Review status: criteria provided, single submitter. Criteria: Ambry Variant Classification Scheme 2023. Collection method: clinical testing. Allele origin: germline.

Labcorp Genetics (formerly Invitae), Labcorp
Classification: Uncertain significance. Last evaluated: 2025-08-04. Review status: criteria provided, single submitter. Criteria: Invitae Variant Classification Sherloc (09022015). Collection method: clinical testing. Allele origin: germline.
Comment: This sequence change replaces methionine, which is neutral and non-polar, with leucine, which is neutral and non-polar, at codon 836 of the LOXHD1 protein (p.Met836Leu). This variant is present in population databases (no rsID available, gnomAD 0.002%). This variant has not been reported in the literature in individuals affected with LOXHD1-related conditions. ClinVar contains an entry for this variant (Variation ID: 1923269). An algorithm developed to predict the effect of missense changes on protein structure and function outputs the following: PolyPhen-2: "Benign". The leucine amino acid residue is found in multiple mammalian species, which suggests that this missense change does not adversely affect protein function. In summary, the available evidence is currently insufficient to determine the role of this variant in disease. Therefore, it has been classified as a Variant of Uncertain Significance.